The following is an entry in ClinVar:

NM_152743.4(BRAT1):c.2009G>T (p.Arg670Leu)

Gene: BRAT1 (BRCA1 associated ATM activator 1; minus strand). Cytogenetic location: 7p22.3.
Variant type: single nucleotide variant.
Coding change: c.2009G>T on transcript NM_152743.4 (MANE Select); coding-DNA position 2009, G replaced by T.
Protein change: p.Arg670Leu; replaces arginine 670 with leucine.
Molecular consequence: missense variant. On other transcripts: non-coding transcript variant (1).
Genome position (GRCh38, 1-based): chr7:2,538,526, C>A on the plus strand (G>T on the coding strand, the complement: BRAT1 is on the minus strand). VCF-style: chr7-2538526-C-A. GRCh37 (hg19) VCF-style: chr7-2578160-C-A.
Other names: c.2189G>T, p.Arg730Leu (NM_001350626.2); c.1484G>T, p.Arg495Leu (NM_001350627.2); short protein forms R495L, R670L, R730L.
Identifiers: ClinVar variation 3619098 (VCV003619098.2).

ClinVar aggregate classification (germline): Uncertain significance (1 of 4 stars; one submission).

Conditions:
Neonatal-onset encephalopathy with rigidity and seizures. Also called: Lethal neonatal spasticity-epileptic encephalopathy syndrome. Identifiers: Orphanet 435845, MedGen C3281029, MONDO:0013784, OMIM 614498.

Submission:

Labcorp Genetics (formerly Invitae), Labcorp
Classification: Uncertain significance for Neonatal-onset encephalopathy with rigidity and seizures. Last evaluated: 2024-12-19. Review status: criteria provided, single submitter. Criteria: Invitae Variant Classification Sherloc (09022015). Collection method: clinical testing. Allele origin: germline.
Comment: This sequence change replaces arginine, which is basic and polar, with leucine, which is neutral and non-polar, at codon 670 of the BRAT1 protein (p.Arg670Leu). This variant is not present in population databases (gnomAD no frequency). This variant has not been reported in the literature in individuals affected with BRAT1-related conditions. Invitae Evidence Modeling of protein sequence and biophysical properties (such as structural, functional, and spatial information, amino acid conservation, physicochemical variation, residue mobility, and thermodynamic stability) indicates that this missense variant is not expected to disrupt BRAT1 protein function with a negative predictive value of 95%. In summary, the available evidence is currently insufficient to determine the role of this variant in disease. Therefore, it has been classified as a Variant of Uncertain Significance.